The following is an entry in ClinVar:

ClinVar aggregate classification (germline): Uncertain significance (1 of 4 stars; one submission).

Conditions:
Osteogenesis imperfecta type 8 (OI8). Identifiers: MedGen C1970458, MONDO:0012581, OMIM 610915.

Allele frequency attached by ClinVar (database versions not stated): gnomAD exomes below 0.00001.
gnomAD v4.1: 1 of 1,614,160 alleles (0.000062%); highest among the groups gnomAD compares: African/African-American, 0.0013%; no homozygotes.

Submission:

Labcorp Genetics (formerly Invitae), Labcorp
Classification: Uncertain significance for Osteogenesis imperfecta type 8. Last evaluated: 2022-03-31. Review status: criteria provided, single submitter. Criteria: Invitae Variant Classification Sherloc (09022015). Collection method: clinical testing. Allele origin: germline.
Comment: This sequence change replaces lysine, which is basic and polar, with threonine, which is neutral and polar, at codon 294 of the P3H1 protein (p.Lys294Thr). This variant is not present in population databases (gnomAD no frequency). This variant has not been reported in the literature in individuals affected with P3H1-related conditions. Algorithms developed to predict the effect of missense changes on protein structure and function (SIFT, PolyPhen-2, Align-GVGD) all suggest that this variant is likely to be tolerated. In summary, the available evidence is currently insufficient to determine the role of this variant in disease. Therefore, it has been classified as a Variant of Uncertain Significance.

NM_022356.4(P3H1):c.881A>C (p.Lys294Thr)

Gene: P3H1 (prolyl 3-hydroxylase 1; minus strand). Cytogenetic location: 1p34.2.
Variant type: single nucleotide variant.
Coding change: c.881A>C on transcript NM_022356.4 (MANE Select); coding-DNA position 881, A replaced by C.
Protein change: p.Lys294Thr; replaces lysine 294 with threonine.
Molecular consequence: missense variant.
Genome position (GRCh38, 1-based): chr1:42,758,911, T>G on the plus strand (A>C on the coding strand, the complement: P3H1 is on the minus strand). VCF-style: chr1-42758911-T-G. GRCh37 (hg19) VCF-style: chr1-43224582-T-G.
Other names: c.881A>C, p.Lys294Thr (NM_001146289.2, NM_001243246.2); short protein forms K294T.
Identifiers: ClinVar variation 2067090 (VCV002067090.2), dbSNP rs1652548484, ClinGen allele CA339959454.